The following is an entry in ClinVar:

NM_000548.5(TSC2):c.3884-1G>T

Gene: TSC2 (TSC complex subunit 2; plus strand). Cytogenetic location: 16p13.3.
Variant type: single nucleotide variant.
Coding change: c.3884-1G>T on transcript NM_000548.5 (MANE Select); the canonical splice acceptor site of the intron before coding-DNA position 3884, G replaced by T.
Molecular consequence: splice acceptor variant.
Genome position (GRCh38, 1-based): chr16:2,083,694, G>T. VCF-style: chr16-2083694-G-T. GRCh37 (hg19) VCF-style: chr16-2133695-G-T.
Other names: c.3665-1G>T (NM_001406676.1); c.3539-1G>T (NM_001318829.2); c.3536-1G>T (NM_001406679.1); c.3086-1G>T (NM_001406686.1, NM_001406685.1); c.3716-1G>T (NM_001318832.2); c.3215-1G>T (NM_001406682.1, NM_001406683.1); c.3212-1G>T (NM_001406684.1); c.3152-1G>T (NM_001318831.2); and 26 more.
Identifiers: ClinVar variation 1339106 (VCV001339106.2), dbSNP rs137854079, ClinGen allele CA394296628.

ClinVar aggregate classification (germline): Likely pathogenic (1 of 4 stars; one submission).

Conditions:
Tuberous sclerosis 2 (TSC2). Identifiers: Orphanet 805, MedGen C1860707, MONDO:0013199, OMIM 613254.

Submission:

Neuberg Centre For Genomic Medicine, NCGM
Classification: Likely pathogenic for Tuberous sclerosis 2. Review status: criteria provided, single submitter. Criteria: ACMG Guidelines, 2015. Collection method: clinical testing. Allele origin: germline. Affected: yes.
Comment: The splice acceptor variant c.3884-1G>T in TSC2 (NM_000548.5) has not been reported previously as a pathogenic variant nor as a benign variant, to our knowledge. The c.3884-1G>T variant is novel (not in any individuals) in gnomAD Exomes and is novel (not in any individuals) in 1000 Genomes. This variant mutates an invariant splice site and hence is predicted to cause protein truncation. For these reasons, this variant has been classified as Likely Pathogenic.